The following is an entry in ClinVar:

NM_183075.3(CYP2U1):c.1547del (p.Pro516fs)

Gene: CYP2U1 (cytochrome P450 family 2 subfamily U member 1; plus strand). Cytogenetic location: 4q25.
Variant type: Deletion.
Coding change: c.1547del on transcript NM_183075.3 (MANE Select); coding-DNA position 1547, one base deleted (C; older notation c.1547delC).
Protein change: p.Pro516fs; shifts the reading frame from proline 516.
Molecular consequence: frameshift variant.
Genome position (GRCh38, 1-based): chr4:107,950,335, C deleted; the last of 2 consecutive C bases (chr4:107,950,334-107,950,335); deleting either gives the same sequence. VCF-style (leftmost placement, unchanged base first): chr4-107950333-AC-A. GRCh37 (hg19) VCF-style: chr4-108871489-AC-A.
Other names: NM_183075.3:c.1547del; short protein forms P516fs.
Identifiers: ClinVar variation 2500895 (VCV002500895.1), dbSNP rs2477049195, ClinGen allele CA2573334991.

ClinVar aggregate classification (germline): Uncertain significance (1 of 4 stars; one submission).

Conditions:
Hereditary spastic paraplegia 56. Also called: Spastic Paraplegia 56; SPASTIC PARAPLEGIA 56, AUTOSOMAL RECESSIVE, WITH OR WITHOUT PSEUDOXANTHOMA ELASTICUM; Spastic paraplegia 56, autosomal recessive. Identifiers: Orphanet 320411, MedGen C3539507, MONDO:0014015, OMIM 615030.

Submission:

Broad Center for Mendelian Genomics, Broad Institute of MIT and Harvard
Classification: Uncertain significance for Hereditary spastic paraplegia 56. Last evaluated: 2023-05-02. Review status: criteria provided, single submitter. Criteria: ACMG Guidelines, 2015. Collection method: curation. Allele origin: germline. Inheritance: Autosomal recessive inheritance.
Comment: The p.Pro516LeufsTer9 variant in CYP2U1 has not been previously reported in individuals with spastic paraplegia 56 with or without pseudoxanthoma elasticum. This variant was absent from large population studies. This variant is predicted to cause a frameshift, which alters the protein‚Äôs amino acid sequence beginning at position 516 and leads to a premature termination codon 9 amino acids downstream. This termination codon occurs within the last exon and is more likely to escape nonsense mediated decay (NMD) and result in a truncated protein. Loss of function of the CYP2U1 gene is strongly associated to autosomal recessive spastic paraplegia 56 with or without pseudoxanthoma elasticum. In summary, the clinical significance of this variant is uncertain. ACMG/AMP Criteria applied: PVS1_Moderate, PM2_Supporting (Richards 2015).